The following is an entry in ClinVar:

ClinVar aggregate classification (germline): Uncertain significance. Review status: criteria provided, multiple submitters, no conflicts (2 of 4 stars). 2 submissions from 2 submitters: Uncertain significance (2). Last evaluated 2022-01-26.

Conditions:
Cardiovascular phenotype. Identifiers: MedGen CN230736.
Alstrom syndrome (ALMS). Identifiers: Orphanet 64, MedGen C0268425, MONDO:0008763, OMIM 203800.

Allele frequency attached by ClinVar (database versions not stated): gnomAD exomes below 0.00001.
gnomAD v4.1: 1 of 1,614,064 alleles (0.000062%); highest among the groups gnomAD compares: African/African-American, 0.0013%; no homozygotes.

Submissions (2):

Labcorp Genetics (formerly Invitae), Labcorp
Classification: Uncertain significance for Alstrom syndrome. Last evaluated: 2022-01-26. Review status: criteria provided, single submitter. Criteria: Invitae Variant Classification Sherloc (09022015). Collection method: clinical testing. Allele origin: germline.
Comment: This sequence change replaces threonine, which is neutral and polar, with alanine, which is neutral and non-polar, at codon 3588 of the ALMS1 protein (p.Thr3588Ala). This variant is not present in population databases (gnomAD no frequency). This variant has not been reported in the literature in individuals affected with ALMS1-related conditions. Experimental studies and prediction algorithms are not available or were not evaluated, and the functional significance of this variant is currently unknown. In summary, the available evidence is currently insufficient to determine the role of this variant in disease. Therefore, it has been classified as a Variant of Uncertain Significance.

Ambry Genetics
Classification: Uncertain significance for Cardiovascular phenotype. Last evaluated: 2019-01-25. Review status: criteria provided, single submitter. Criteria: Ambry Variant Classification Scheme 2023. Collection method: clinical testing. Allele origin: germline.
Comment: The p.T3588A variant (also known as c.10762A>G), located in coding exon 16 of the ALMS1 gene, results from an A to G substitution at nucleotide position 10762. The threonine at codon 3588 is replaced by alanine, an amino acid with similar properties. This amino acid position is not well conserved in available vertebrate species, and alanine is the reference amino acid in other vertebrate species. In addition, this alteration is predicted to be tolerated by in silico analysis. Since supporting evidence is limited at this time, the clinical significance of this alteration remains unclear.

NM_001378454.1(ALMS1):c.10759A>G (p.Thr3587Ala)

Gene: ALMS1 (ALMS1 centrosome and basal body associated protein; plus strand). Cytogenetic location: 2p13.1.
Variant type: single nucleotide variant.
Coding change: c.10759A>G on transcript NM_001378454.1 (MANE Select); coding-DNA position 10759, A replaced by G.
Protein change: p.Thr3587Ala; replaces threonine 3587 with alanine.
Molecular consequence: missense variant.
Genome position (GRCh38, 1-based): chr2:73,572,636, A>G. VCF-style: chr2-73572636-A-G. GRCh37 (hg19) VCF-style: chr2-73799763-A-G.
Other names: c.10762A>G, p.Thr3588Ala (NM_015120.4); short protein forms T3587A, T3588A.
Identifiers: ClinVar variation 1784812 (VCV001784812.4), dbSNP rs2466444466, ClinGen allele CA347285316.